The following is an entry in ClinVar:

NM_005845.5(ABCC4):c.307-10C>T

Gene: ABCC4 (ATP binding cassette subfamily C member 4 (PEL blood group); minus strand). Cytogenetic location: 13q32.1.
Variant type: single nucleotide variant.
Coding change: c.307-10C>T on transcript NM_005845.5 (MANE Select); 10 bases into the intron before coding-DNA position 307, C replaced by T.
Molecular consequence: intron variant.
Genome position (GRCh38, 1-based): chr13:95,234,844, G>A on the plus strand (C>T on the coding strand, the complement: ABCC4 is on the minus strand). VCF-style: chr13-95234844-G-A. GRCh37 (hg19) VCF-style: chr13-95887098-G-A.
Other names: p.?; c.307-10C>T (NM_001301829.2, NM_001105515.3); c.306+12131C>T (NM_001301830.2).
Identifiers: ClinVar variation 781122 (VCV000781122.4), dbSNP rs45610534, ClinGen allele CA7019841.

ClinVar aggregate classification (germline): Benign/Likely benign. Review status: criteria provided, multiple submitters, no conflicts (2 of 4 stars). 2 submissions from 2 submitters: Benign (1); Likely benign (1). Last evaluated 2024-06-17.

Allele frequency attached by ClinVar (database versions not stated): gnomAD 0.00860 and 0.00927; ExAC 0.00416; 1000 Genomes Project 0.00839; ESP Exome Variant Server 0.00606; 1000 Genomes Project 30x 0.00968; gnomAD exomes 0.00210; TOPMed 0.00965.
gnomAD v4.1: 2,437 of 1,515,134 alleles (0.16%); highest among the groups gnomAD compares: African/African-American, 3%; 37 homozygotes.

Submissions (2):

Mayo Clinic Laboratories, Mayo Clinic
Classification: Likely benign. Last evaluated: 2024-06-17. Review status: criteria provided, single submitter. Criteria: ACMG Guidelines, 2015. Collection method: clinical testing. Allele origin: germline. Observed: 3 variant alleles.
Comment: BS1, BP4, BP7

Labcorp Genetics (formerly Invitae), Labcorp
Classification: Benign. Last evaluated: 2018-05-09. Review status: criteria provided, single submitter. Criteria: Invitae Variant Classification Sherloc (09022015). Collection method: clinical testing. Allele origin: germline.